The following is an entry in ClinVar:

ClinVar aggregate classification (germline): Pathogenic. Review status: criteria provided, multiple submitters, no conflicts (2 of 4 stars). 9 submissions from 9 submitters: Pathogenic (8). 1 of the submissions does not count toward it. Last evaluated 2026-04-18.

Conditions:
autosomal dominant COL1A1-related osteogenesis imperfecta.
COL1A1-related disorder. Also called: COL1A1-related condition; COL1A1- related disease.
Osteogenesis imperfecta type I (OI1). Also called: Lobstein disease; Lobstein's Disease; OI, TYPE I; OSTEOGENESIS IMPERFECTA TARDA; OSTEOGENESIS IMPERFECTA WITH BLUE SCLERAE; Osteogenesis imperfecta type 1. Identifiers: Orphanet 216796, Orphanet 666, MedGen C0023931, MONDO:0008146, OMIM 166200. Disease mechanism: loss of function.
Osteogenesis imperfecta with normal sclerae, dominant form (OI4). Also called: OSTEOGENESIS IMPERFECTA, TYPE IV, WITH DENTINOGENESIS IMPERFECTA; Osteogenesis Imperfecta Type IV; OSTEOGENESIS IMPERFECTA WITH NORMAL SCLERAE; Osteogenesis imperfecta type 4; Common Variable Osteogenesis Imperfecta with Normal Sclerae. Identifiers: Orphanet 216820, Orphanet 666, MedGen C0268363, MONDO:0008148, OMIM 166220.
Osteogenesis imperfecta type III (OI3). Also called: Osteogenesis imperfecta type 3; OI type 3; Osteogenesis imperfecta, progressively deforming with normal sclerae; OI type III; Progressively Deforming Osteogenesis Imperfecta. Identifiers: Orphanet 216812, Orphanet 666, MedGen C0268362, MONDO:0009804, OMIM 259420.

Submissions (9):

Dasa
Classification: Pathogenic. Last evaluated: 2026-04-18. Review status: criteria provided, single submitter. Criteria: DASA Assertion Criteria. Collection method: clinical testing. Allele origin: germline.
Comment: NM_000088.4(COL1A1):c.1588G>A (p.Gly530Ser) is a missense variant that results in the substitution of glycine with serine. Functional evidence supports a deleterious effect on the gene or gene product (PMID: 34902613; PMID: 1445258; PMID: 7691343; PMID: 8094076; PMID: 8456809). This variant has been recurrently observed in individuals with related phenotype (PMID: 34902613; PMID: 1445258; PMID: 7691343; PMID: 8094076; PMID: 8456809). Multiple computational predictions support a deleterious effect on the gene or gene product. Based on the available data, this variant is classified as pathogenic.

Clinical Biomedical Laboratory, Shriners Hospital For Children - Canada
Classification: Pathogenic for Osteogenesis imperfecta with normal sclerae, dominant form. Last evaluated: 2025-07-16. Review status: criteria provided, single submitter. Criteria: ACMG Guidelines, 2015. Collection method: clinical testing. Allele origin: germline. Affected: yes.
Comment: This variant is predicted to substitute a glycine residue by a serine residue in the triple helical domain of collagen type I alpha1 chain. This variant is absent from the Genome Aggregation Database (v2.1.1). Advanced training algorithm score (0.9951) found in DANN predict this variant as damaging. This specific variant has been reported in the literature (PMID: 27509835). Glycine substitutions in the triple helical domain of collagen type I cause disruption in the formation of the triple helix in the collagen molecule and are a typical cause of osteogenesis imperfecta (PMID: 27509835).

Variantyx, Inc.
Classification: Pathogenic for autosomal dominant COL1A1-related osteogenesis imperfecta. Last evaluated: 2025-04-24. Review status: criteria provided, single submitter. Criteria: Variantyx Assertion Criteria 2022. Collection method: clinical testing. Allele origin: de novo. Inheritance: Autosomal dominant inheritance. Affected: yes.
Comment: This is a nonsynonymous variant in the COL1A1 gene (OMIM: 120150). Pathogenic variants in this gene have been associated with autosomal dominant COL1A1-related osteogenesis imperfecta. The alteration has been reported in many unrelated affected individuals (PMID: 1445258, 27509835, 32166892, 7691343, 8094076, 22589248, 33939306) (PS4_Very_Strong). Functional studies have shown that this variant alters COL1A1 protein function (PMID: 8456809) (PS3_Moderate). Moreover, the variant lies within a well-established critical functional domain of the COL1A1 protein (PMID: 21912751) (PM1), and multiple computational algorithms predict a deleterious effect for this variant (REVEL score: 0.978) (PP3). This variant is absent from control populations (PM2). Based on the current evidence, this variant is classified as pathogenic for autosomal dominant COL1A1-related osteogenesis imperfecta.

Labcorp Genetics (formerly Invitae), Labcorp
Classification: Pathogenic for Osteogenesis imperfecta type I. Last evaluated: 2025-04-17. Review status: criteria provided, single submitter. Criteria: Invitae Variant Classification Sherloc (09022015). Collection method: clinical testing. Allele origin: germline.
Comment: This sequence change replaces glycine, which is neutral and non-polar, with serine, which is neutral and polar, at codon 530 of the COL1A1 protein (p.Gly530Ser). This variant is not present in population databases (gnomAD no frequency). This missense change has been observed in individual(s) with osteogenesis imperfecta (OI) type IV (PMID: 1445258, 7691343, 8094076, 8456809, 17078022, 22589248, 27509835). In at least one individual the variant was observed to be de novo. ClinVar contains an entry for this variant (Variation ID: 17324). Invitae Evidence Modeling of protein sequence and biophysical properties (such as structural, functional, and spatial information, amino acid conservation, physicochemical variation, residue mobility, and thermodynamic stability) indicates that this missense variant is expected to disrupt COL1A1 protein function with a positive predictive value of 95%. This variant disrupts the triple helix domain of COL1A1. Glycine residues within the Gly-Xaa-Yaa repeats of the triple helix domain are required for the structure and stability of fibrillar collagens (PMID: 7695699, 8218237, 19344236). In COL1A1, variants affecting these glycine residues are significantly enriched in individuals with disease (PMID: 9016532, 17078022) compared to the general population (ExAC). For these reasons, this variant has been classified as Pathogenic.

Blueprint Genetics
Classification: Pathogenic for COL1A1-related disorders. Last evaluated: 2024-06-18. Review status: criteria provided, single submitter. Criteria: ACMG Guidelines, 2015. Collection method: clinical testing. Allele origin: germline. Affected: yes. Observed: 3 variant alleles.

ARUP Laboratories, Molecular Genetics and Genomics, ARUP Laboratories
Classification: Pathogenic. Last evaluated: 2024-02-27. Review status: criteria provided, single submitter. Criteria: ARUP Molecular Germline Variant Investigation Process 2024. Collection method: clinical testing. Allele origin: germline.
Comment: The COL1A1 c.1588G>A; p.Gly530Ser variant (rs67682641), also known as Gly352Ser in traditional nomenclature, is reported in the literature in multiple individuals affected with osteogenesis imperfecta, including at least one individual in which it was found to occur de novo (Bateman 1992, Higuchi 2021, Holtz 2023, Madhuri 2021, Tuysuz 2022). This variant is also absent from the Genome Aggregation Database (v2.1.1), indicating it is not a common polymorphism. Computational analyses predict that this variant is deleterious (REVEL: 0.978). This codon is located in a Gly-X-Y triple helix repeat domain, and glycine substitutions are the most frequent pathogenic alterations in this region (Ben Amor 2011). Based on available information, this variant is considered to be pathogenic. References: Bateman JF et al. Characterization of three osteogenesis imperfecta collagen alpha 1(I) glycine to serine mutations demonstrating a position-dependent gradient of phenotypic severity. Biochem J. 1992 Nov 15;288 ( Pt 1)(Pt 1):131-5. PMID: 1445258. Ben Amor I et al. Genotype-phenotype correlations in autosomal dominant osteogenesis imperfecta. J Osteoporos. 2011; 2011:540178. PMID: 21912751. Higuchi Y et al. Genetic analysis in Japanese patients with osteogenesis imperfecta: Genotype and phenotype spectra in 96 probands. Mol Genet Genomic Med. 2021 Jun;9(6):e1675. PMID: 33939306. Holtz AP et al. Genetic analysis of osteogenesis imperfecta in a large Brazilian cohort. Bone. 2023 Apr;169:116683. PMID: 36709916. Madhuri V et al. Osteogenesis imperfecta: Novel genetic variants and clinical observations from a clinical exome study of 54 Indian patients. Ann Hum Genet. 2021 Jan;85(1):37-46. PMID: 32770541. Tuysuz B et al. Osteogenesis imperfecta in 140 Turkish families: Molecular spectrum and, comparison of long-term clinical outcome of those with COL1A1/A2 and biallelic variants. Bone. 2022 Feb;155:116293. PMID: 34902613.

GeneDx
Classification: Pathogenic. Last evaluated: 2024-02-27. Review status: criteria provided, single submitter. Criteria: GeneDx Variant Classification Process June 2021. Collection method: clinical testing. Allele origin: germline. Affected: yes.
Comment: Not observed at significant frequency in large population cohorts (gnomAD); In silico analysis supports that this missense variant has a deleterious effect on protein structure/function; Occurs in the triple helical domain and replaces a glycine in a canonical Gly-X-Y repeat; missense substitution of a canonical glycine residue is expected to disrupt normal protein folding and function, and this is an established mechanism of disease (PMID: 34007986); Also known as p.(Gly352Ser); This variant is associated with the following publications: (PMID: 27509835, 31414283, 32166892, 22589248, 7691343, 8456809, 8094076, 1445258, 17078022, 36951356, 34902613, 32770541, 34007986, 38003005, 31391747, 36709916, 37079061, 33939306)

Division of Genomic Medicine, Department of Advanced Medicine, Medical Research Institute, Kanazawa Medical University
Classification: Pathogenic for Osteogenesis imperfecta type III. Last evaluated: 2023-10-20. Review status: criteria provided, single submitter. Criteria: ACMG Guidelines, 2015. Collection method: clinical testing. Allele origin: germline. Affected: yes. Observed: 2 variant alleles.

OMIM
Classification: Pathogenic for OSTEOGENESIS IMPERFECTA, TYPE III. Last evaluated: 1993-01-15. Review status: no assertion criteria provided. Collection method: literature only. Allele origin: germline. Not counted in ClinVar's aggregate classification.

Literature cited by the submitters: PubMed 34902613 (cited by Dasa and Variantyx, Inc.); PubMed 1445258 (cited by 3 submitters); PubMed 7691343 (cited by 3 submitters); PubMed 8094076 (cited by 3 submitters); PubMed 8456809 (cited by 4 submitters); PubMed 17078022 (cited by Dasa and Labcorp Genetics (formerly Invitae), Labcorp); PubMed 22589248 (cited by 3 submitters); PubMed 27509835 (cited by 4 submitters); PubMed 9016532 (cited by Dasa and Labcorp Genetics (formerly Invitae), Labcorp); PubMed 32166892 (cited by Variantyx, Inc.); PubMed 33939306 (cited by Variantyx, Inc.); PubMed 21912751 (cited by Variantyx, Inc.); PubMed 7695699 (cited by Labcorp Genetics (formerly Invitae), Labcorp); PubMed 8218237 (cited by Labcorp Genetics (formerly Invitae), Labcorp); PubMed 19344236 (cited by Labcorp Genetics (formerly Invitae), Labcorp).

NM_000088.4(COL1A1):c.1588G>A (p.Gly530Ser)

Gene: COL1A1 (collagen type I alpha 1 chain; minus strand). Cytogenetic location: 17q21.33.
Variant type: single nucleotide variant.
Coding change: c.1588G>A on transcript NM_000088.4 (MANE Select); coding-DNA position 1588, G replaced by A.
Protein change: p.Gly530Ser; replaces glycine 530 with serine.
Molecular consequence: missense variant.
Genome position (GRCh38, 1-based): chr17:50,194,375, C>T on the plus strand (G>A on the coding strand, the complement: COL1A1 is on the minus strand). VCF-style: chr17-50194375-C-T. GRCh37 (hg19) VCF-style: chr17-48271736-C-T.
Other names: G352S; short protein forms G530S.
Identifiers: ClinVar variation 17324 (VCV000017324.15), dbSNP rs67682641, ClinGen allele CA257887.